The following is an entry in ClinVar:

NM_030662.4(MAP2K2):c.952A>G (p.Ile318Val)

Gene: MAP2K2 (mitogen-activated protein kinase kinase 2; minus strand). Cytogenetic location: 19p13.3.
Variant type: single nucleotide variant.
Coding change: c.952A>G on transcript NM_030662.4 (MANE Select); coding-DNA position 952, A replaced by G.
Protein change: p.Ile318Val; replaces isoleucine 318 with valine.
Molecular consequence: missense variant.
Genome position (GRCh38, 1-based): chr19:4,097,311, T>C on the plus strand (A>G on the coding strand, the complement: MAP2K2 is on the minus strand). VCF-style: chr19-4097311-T-C. GRCh37 (hg19) VCF-style: chr19-4097309-T-C.
Other names: short protein forms I318V.
Identifiers: ClinVar variation 424604 (VCV000424604.10), dbSNP rs1064797064, ClinGen allele CA16620848.

ClinVar aggregate classification (germline): Conflicting classifications of pathogenicity. Review status: criteria provided, conflicting classifications (1 of 4 stars). 3 submissions from 3 submitters: Uncertain significance (2); Likely benign (1). Last evaluated 2025-12-21.

Conditions:
Cardiovascular phenotype. Identifiers: MedGen CN230736.
RASopathy. Also called: Noonan spectrum disorder; rasopathies. Identifiers: Orphanet 536391, MedGen C5555857, MONDO:0021060.

Allele frequency attached by ClinVar (database versions not stated): gnomAD exomes 0.00001 and 0.00002; TOPMed 0.00001; gnomAD 0.00002.
gnomAD v4.1: 28 of 1,612,082 alleles (0.0017%); highest among the groups gnomAD compares: Non-Finnish European, 0.0024%; no homozygotes.

Submissions (3):

Labcorp Genetics (formerly Invitae), Labcorp
Classification: Uncertain significance for RASopathy. Last evaluated: 2025-12-21. Review status: criteria provided, single submitter. Criteria: Invitae Variant Classification Sherloc (09022015). Collection method: clinical testing. Allele origin: germline.
Comment: This sequence change replaces isoleucine, which is neutral and non-polar, with valine, which is neutral and non-polar, at codon 318 of the MAP2K2 protein (p.Ile318Val). This variant is present in population databases (no rsID available, gnomAD 0.003%). This variant has not been reported in the literature in individuals affected with MAP2K2-related conditions. ClinVar contains an entry for this variant (Variation ID: 424604). Invitae Evidence Modeling of protein sequence and biophysical properties (such as structural, functional, and spatial information, amino acid conservation, physicochemical variation, residue mobility, and thermodynamic stability) indicates that this missense variant is not expected to disrupt MAP2K2 protein function with a negative predictive value of 95%. In summary, the available evidence is currently insufficient to determine the role of this variant in disease. Therefore, it has been classified as a Variant of Uncertain Significance.

Ambry Genetics
Classification: Uncertain significance for Cardiovascular phenotype. Last evaluated: 2025-11-02. Review status: criteria provided, single submitter. Criteria: Ambry Variant Classification Scheme 2023. Collection method: clinical testing. Allele origin: germline.
Comment: The p.I318V variant (also known as c.952A>G), located in coding exon 8 of the MAP2K2 gene, results from an A to G substitution at nucleotide position 952. The isoleucine at codon 318 is replaced by valine, an amino acid with highly similar properties. This amino acid position is conserved. In addition, the in silico prediction for this alteration is inconclusive. Since supporting evidence is limited at this time, the clinical significance of this alteration remains unclear.

GeneDx
Classification: Likely benign. Last evaluated: 2021-04-14. Review status: criteria provided, single submitter. Criteria: GeneDx Variant Classification Process June 2021. Collection method: clinical testing. Allele origin: germline. Affected: yes.
Comment: In silico analysis supports that this missense variant does not alter protein structure/function; Has not been previously published as pathogenic or benign to our knowledge; Observed in 4/282166 (0.0014%) alleles in large population cohorts (Lek et al., 2016)